The following is an entry in ClinVar:

ClinVar aggregate classification (germline): Likely pathogenic (1 of 4 stars; one submission).

Submission:

Seattle Children's Hospital Molecular Genetics Laboratory, Seattle Children's Hospital
Classification: Likely pathogenic. Last evaluated: 2022-03-01. Review status: criteria provided, single submitter. Criteria: ACMG Guidelines, 2015. Collection method: clinical testing. Allele origin: somatic. Affected: yes.
Comment: This variant is absent from the medical literature, patient databases, and the general population (gnomAD v2.1.1) The duplication of 30 base pairs causes an in-frame insertion of ten amino acids in the HRAS switch II domain, a region critical for binding regulator and effector proteins (PMID: 11701921). Although the p. Arg73_Thr74insAsnSerAlaMetArgAspGlnTyrMetArg variant has not been previously reported, in-frame insertions and duplications within the switch II domain have been reported in individuals with vascular malformations (PMID: 31637524) and RASopathies (PMID: 31160609). In addition, functional analyses of similar in-frame insertions and duplications in the HRAS switch II domain have demonstrated that these variants lead to increased RAS signaling (PMID: 31160609).

NM_005343.4(HRAS):c.191_220dup (p.Arg73_Thr74insAsnSerAlaMetArgAspGlnTyrMetArg)

Genes: HRAS (HRas proto-oncogene, GTPase; minus strand), LRRC56 (leucine rich repeat containing 56; plus strand). Cytogenetic location: 11p15.5.
Variant type: Duplication.
Coding change: c.191_220dup on transcript NM_005343.4 (MANE Select); coding-DNA positions 191 to 220, 30 bases duplicated (ACAGCGCCATGCGGGACCAGTACATGCGCA).
Protein change: p.Arg73_Thr74insAsnSerAlaMetArgAspGlnTyrMetArg.
Molecular consequence: inframe insertion. On other transcripts: 5 prime UTR variant (1).
Genome position (GRCh38, 1-based): chr11:533,836-533,865, TGCGCATGTACTGGTCCCGCATGGCGCTGT duplicated on the plus strand (ACAGCGCCATGCGGGACCAGTACATGCGCA on the coding strand, the reverse complement: HRAS is on the minus strand). VCF-style (leftmost placement, unchanged base first): chr11-533835-G-GTGCGCATGTACTGGTCCCGCATGGCGCTGT. GRCh37 (hg19) VCF-style: chr11-533835-G-GTGCGCATGTACTGGTCCCGCATGGCGCTGT.
Other names: c.191_220dup, p.Arg73_Thr74insAsnSerAlaMetArgAspGlnTyrMetArg (NM_001130442.3, NM_176795.5); c.-129_-100dup (NM_001318054.2).
Identifiers: ClinVar variation 1691376 (VCV001691376.2), dbSNP rs2133990531, ClinGen allele CA2573147054.
Genomic context (GRCh38, chr11:533,835, plus strand): 5'-TGGATGTCCTCAAAAGACTTGGTGTTGTTGATGGCAAACACACACAGGAAGCCCTCCCCG[G>GTGCGCATGTACTGGTCCCGCATGGCGCTGT]TGCGCATGTACTGGTCCCGCATGGCGCTGTACTCCTCCTGGCCGGCGGTATCCAGGATGT-3'